The following is an entry in ClinVar:

NM_176787.5(PIGN):c.2600T>C (p.Ile867Thr)

Gene: PIGN (phosphatidylinositol glycan anchor biosynthesis class N; minus strand). Cytogenetic location: 18q21.33.
Variant type: single nucleotide variant.
Coding change: c.2600T>C on transcript NM_176787.5 (MANE Select); coding-DNA position 2600, T replaced by C.
Protein change: p.Ile867Thr; replaces isoleucine 867 with threonine.
Molecular consequence: missense variant.
Genome position (GRCh38, 1-based): chr18:62,074,798, A>G on the plus strand (T>C on the coding strand, the complement: PIGN is on the minus strand). VCF-style: chr18-62074798-A-G. GRCh37 (hg19) VCF-style: chr18-59742031-A-G.
Other names: c.2600T>C, p.Ile867Thr (NM_012327.6); short protein forms I867T.
Identifiers: ClinVar variation 472224 (VCV000472224.7), dbSNP rs745844688, ClinGen allele CA8981935.
Genomic context (GRCh38, chr18:62,074,798, plus strand): 5'-CTCTTAATCTAATTTATATGGACTACCCAGTAATGCCTTACCAAAGCCATAATGTCTGAT[A>G]TGACGAGAACAATGAGAAAAAGGCTGGAAAAAAAAAGAAGGAAAAATTACATCTAATACA-3'
Protein context (NP_789744.1, residues 857-877): SKSLFLIVLV[Ile867Thr]SDIMALHFFF

ClinVar aggregate classification (germline): Conflicting classifications of pathogenicity. Review status: criteria provided, conflicting classifications (1 of 4 stars). 2 submissions from 2 submitters: Likely pathogenic (1); Uncertain significance (1). Last evaluated 2021-08-27.

Conditions:
Multiple congenital anomalies-hypotonia-seizures syndrome 1 (MCAHS1). Also called: PIGN-CDG; Congenital disorder of glycosylation due to PIGN deficiency; GLYCOSYLPHOSPHATIDYLINOSITOL BIOSYNTHESIS DEFECT 3. Identifiers: Orphanet 280633, MedGen C3279775, MONDO:0013563, OMIM 614080.

Allele frequency attached by ClinVar (database versions not stated): TOPMed below 0.00001; gnomAD 0.00001; gnomAD exomes 0.00002 and 0.00004; ExAC 0.00005.
gnomAD v4.1: 29 of 1,606,008 alleles (0.0018%); highest among the groups gnomAD compares: South Asian, 0.029%; no homozygotes.

Submissions (2):

Labcorp Genetics (formerly Invitae), Labcorp
Classification: Uncertain significance for Multiple congenital anomalies-hypotonia-seizures syndrome 1. Last evaluated: 2021-08-27. Review status: criteria provided, single submitter. Criteria: Invitae Variant Classification Sherloc (09022015). Collection method: clinical testing. Allele origin: germline.
Comment: This sequence change replaces isoleucine with threonine at codon 867 of the PIGN protein (p.Ile867Thr). The isoleucine residue is highly conserved and there is a moderate physicochemical difference between isoleucine and threonine. This variant is present in population databases (rs745844688, ExAC 0.04%). This variant has not been reported in the literature in individuals affected with PIGN-related conditions. Algorithms developed to predict the effect of missense changes on protein structure and function output the following: SIFT: "Deleterious"; PolyPhen-2: "Benign"; Align-GVGD: "Class C25". The threonine amino acid residue is found in multiple mammalian species, which suggests that this missense change does not adversely affect protein function. In summary, the available evidence is currently insufficient to determine the role of this variant in disease. Therefore, it has been classified as a Variant of Uncertain Significance.

Laboratoire de Génétique Moléculaire, CHU Bordeaux
Classification: Likely pathogenic. Review status: criteria provided, single submitter. Criteria: ACMG Guidelines, 2015. Collection method: clinical testing. Allele origin: germline. Affected: yes.